The following is an entry in ClinVar:

NM_000260.4(MYO7A):c.3803C>A (p.Thr1268Asn)

Gene: MYO7A (myosin VIIA; plus strand). Cytogenetic location: 11q13.5.
Variant type: single nucleotide variant.
Coding change: c.3803C>A on transcript NM_000260.4 (MANE Select); coding-DNA position 3803, C replaced by A.
Protein change: p.Thr1268Asn; replaces threonine 1268 with asparagine.
Molecular consequence: missense variant.
Genome position (GRCh38, 1-based): chr11:77,190,749, C>A. VCF-style: chr11-77190749-C-A. GRCh37 (hg19) VCF-style: chr11-76901794-C-A.
Other names: c.3803C>A, p.Thr1268Asn (NM_001127180.2); c.3770C>A, p.Thr1257Asn (NM_001369365.1); short protein forms T1268N, T1257N.
Identifiers: ClinVar variation 1497662 (VCV001497662.5), dbSNP rs375644175, ClinGen allele CA6198205.

ClinVar aggregate classification (germline): Uncertain significance (1 of 4 stars; one submission).

Allele frequency attached by ClinVar (database versions not stated): gnomAD 0.00001; ExAC 0.00002; TOPMed 0.00003; ESP Exome Variant Server 0.00008.
gnomAD v4.1: 2 of 1,599,638 alleles (0.00013%); highest among the groups gnomAD compares: African/African-American, 0.0027%; no homozygotes.

Submission:

Labcorp Genetics (formerly Invitae), Labcorp
Classification: Uncertain significance. Last evaluated: 2022-09-01. Review status: criteria provided, single submitter. Criteria: Invitae Variant Classification Sherloc (09022015). Collection method: clinical testing. Allele origin: germline.
Comment: This sequence change replaces threonine, which is neutral and polar, with asparagine, which is neutral and polar, at codon 1268 of the MYO7A protein (p.Thr1268Asn). The frequency data for this variant in the population databases is considered unreliable, as metrics indicate poor data quality at this position in the gnomAD database. This variant has not been reported in the literature in individuals affected with MYO7A-related conditions. ClinVar contains an entry for this variant (Variation ID: 1497662). Advanced modeling of protein sequence and biophysical properties (such as structural, functional, and spatial information, amino acid conservation, physicochemical variation, residue mobility, and thermodynamic stability) performed at Invitae indicates that this missense variant is not expected to disrupt MYO7A protein function. In summary, the available evidence is currently insufficient to determine the role of this variant in disease. Therefore, it has been classified as a Variant of Uncertain Significance.